The following is an entry in ClinVar:

NM_007194.4(CHEK2):c.1376-13A>G

Gene: CHEK2 (checkpoint kinase 2; minus strand). Cytogenetic location: 22q12.1.
Variant type: single nucleotide variant.
Coding change: c.1376-13A>G on transcript NM_007194.4 (MANE Select); 13 bases into the intron before coding-DNA position 1376, A replaced by G.
Molecular consequence: intron variant.
Genome position (GRCh38, 1-based): chr22:28,694,130, T>C on the plus strand (A>G on the coding strand, the complement: CHEK2 is on the minus strand). VCF-style: chr22-28694130-T-C. GRCh37 (hg19) VCF-style: chr22-29090118-T-C.
Other names: c.713-13A>G (NM_001437942.1, NM_001257387.3); c.1175-13A>G (NM_001349956.3); c.1289-13A>G (NM_145862.3); c.1382-13A>G (NM_001438295.1); c.1469-13A>G (NM_001438293.1); c.1418-13A>G (NM_001438294.1); c.1505-13A>G (NM_001005735.3).
Identifiers: ClinVar variation 418624 (VCV000418624.22), dbSNP rs1064793330, ClinGen allele CA16621047.
Genomic context (GRCh38, chr22:28,694,130, plus strand): 5'-AACGTGCCTTTGGATCCACTACCAACAACTTCTTGACAAGGTCCAGAGCTAAAGCAACAA[T>C]TGGGCAAATCACAGTGAAAAGGATAAATATATTATCAGTAAGAGTATGCCAGAATTAACA-3'

ClinVar aggregate classification (germline): Uncertain significance. Review status: criteria provided, multiple submitters, no conflicts (2 of 4 stars). 8 submissions from 8 submitters: Uncertain significance (8). Last evaluated 2026-04-09.

Conditions:
Familial cancer of breast. Also called: BREAST CANCER, FAMILIAL; Hereditary breast cancer; hereditary breast carcinoma. Identifiers: Orphanet 227535, MedGen C0346153, MONDO:0016419, OMIM 114480. Disease mechanism: loss of function.
CHEK2-related cancer predisposition (TPDS4). Also called: TUMOR PREDISPOSITION SYNDROME 4; CANCER PREDISPOSITION SYNDROME, CHEK2-RELATED; CHEK2-related cancer susceptibility. Identifiers: Orphanet 524, MedGen C5882668, MONDO:0700271, OMIM 609265.
Prostate cancer. Also called: Malignant tumor of prostate. Identifiers: Orphanet 1331, MedGen C0376358, MONDO:0008315, HP:0012125.
Bone osteosarcoma. Also called: Osteosarcoma, somatic. Identifiers: Orphanet 668, MedGen C0585442, MONDO:0002629, OMIM 259500.
Hereditary cancer-predisposing syndrome. Also called: Neoplastic Syndromes, Hereditary; Hereditary Cancer Syndrome; Hereditary neoplastic syndrome; Tumor predisposition. Identifiers: Orphanet 140162, MedGen C0027672, MeSH D009386, MONDO:0015356.

Allele frequency attached by ClinVar (database versions not stated): gnomAD 0.00001; gnomAD exomes 0.00001.
gnomAD v4.1: 16 of 1,556,040 alleles (0.001%); highest among the groups gnomAD compares: South Asian, 0.0033%; no homozygotes.

Submissions (8):

Myriad Genetics, Inc.
Classification: Uncertain significance for Familial cancer of breast. Last evaluated: 2026-04-09. Review status: criteria provided, single submitter. Criteria: Myriad Autosomal Dominant, Autosomal Recessive and X-Linked Classification Criteria (2023). Collection method: clinical testing. Allele origin: unknown.
Comment: This variant is classified as a variant of uncertain significance as there is insufficient evidence to determine its impact on protein function and/or cancer risk.

Labcorp Genetics (formerly Invitae), Labcorp
Classification: Uncertain significance for Familial cancer of breast. Last evaluated: 2026-01-04. Review status: criteria provided, single submitter. Criteria: Invitae Variant Classification Sherloc (09022015). Collection method: clinical testing. Allele origin: germline.
Comment: This sequence change falls in intron 12 of the CHEK2 gene. It does not directly change the encoded amino acid sequence of the CHEK2 protein. RNA analysis indicates that this variant induces altered splicing and likely results in the gain of 4 amino acid residue(s), but is expected to preserve the integrity of the reading-frame. This variant is present in population databases (no rsID available, gnomAD 0.007%). This variant has not been reported in the literature in individuals affected with CHEK2-related conditions. ClinVar contains an entry for this variant (Variation ID: 418624). Studies have shown that this variant results in the activation of a cryptic splice site in intron 12 (internal data). In summary, the available evidence is currently insufficient to determine the role of this variant in disease. Therefore, it has been classified as a Variant of Uncertain Significance.

Color Diagnostics, LLC DBA Color Health
Classification: Uncertain significance for Hereditary cancer-predisposing syndrome. Last evaluated: 2024-12-11. Review status: criteria provided, single submitter. Criteria: ACMG Guidelines, 2015. Collection method: clinical testing. Allele origin: germline.
Comment: This variant causes an A to G nucleotide substitution at the -13 position of intron 12 of the CHEK2 gene. Splice site prediction tools suggest that this variant may have an impact on RNA splicing by the creation of a de novo splice acceptor site that might compete with the natural acceptor site. Use of this new acceptor site may allow for the insertion of 4 new amino acids within the CHEK2 kinase domain. To our knowledge, RNA or protein functional studies have not been reported for this variant. This variant has not been reported in individuals affected with hereditary cancer in the literature. This variant has been identified in 2/233702 chromosomes in the general population by the Genome Aggregation Database (gnomAD). The available evidence is insufficient to determine the role of this variant in disease conclusively. Therefore, this variant is classified as a Variant of Uncertain Significance.

Baylor Genetics
Classification: Uncertain significance for Familial cancer of breast. Last evaluated: 2023-12-18. Review status: criteria provided, single submitter. Criteria: ACMG Guidelines, 2015. Collection method: clinical testing. Allele origin: unknown.

Ambry Genetics
Classification: Uncertain significance for Hereditary cancer-predisposing syndrome. Last evaluated: 2022-10-28. Review status: criteria provided, single submitter. Criteria: Ambry Variant Classification Scheme 2023. Collection method: clinical testing. Allele origin: germline.
Comment: The c.1376-13A>G intronic alteration consists of a A to G substitution 13 nucleotides before coding exon 12 in the CHEK2 gene. Based on insufficient or conflicting evidence, the clinical significance of this alteration remains unclear.

GeneDx
Classification: Uncertain significance. Last evaluated: 2022-10-13. Review status: criteria provided, single submitter. Criteria: GeneDx Variant Classification Process June 2021. Collection method: clinical testing. Allele origin: germline. Affected: yes.
Comment: Not observed at significant frequency in large population cohorts (gnomAD); In silico analysis supports a deleterious effect on splicing; Has not been previously published as pathogenic or benign to our knowledge

Sema4
Classification: Uncertain significance for Hereditary cancer-predisposing syndrome. Last evaluated: 2021-05-06. Review status: criteria provided, single submitter. Criteria: Sema4 Curation Guidelines. Collection method: curation. Allele origin: germline.
Comment: The CHEK2 c.1376-13A>G variant has not been reported in the literature to our knowledge. It was observed in 2/30334 chromosomes of the South Asian subpopulation in the large and broad cohorts of the Genome Aggregation Database (PMID: 32461654). The variant has been reported in ClinVar (Variation ID 418624). In silico tools suggest that the variant may have an impact on splicing, though these predictions have not been confirmed by functional studies. The evidence is insufficient to meet ACMG/AMP criteria for classifying the variant as benign or pathogenic. Thus, the clinical significance of this variant is currently uncertain.

Fulgent Genetics
Classification: Uncertain significance for Familial cancer of breast; Familial prostate cancer; Bone osteosarcoma; CHEK2-related cancer predisposition. Last evaluated: 2018-10-31. Review status: criteria provided, single submitter. Criteria: ACMG Guidelines, 2015. Collection method: clinical testing. Allele origin: unknown.